The following is an entry in ClinVar:

ClinVar aggregate classification (germline): Uncertain significance. Review status: criteria provided, multiple submitters, no conflicts (2 of 4 stars). 4 submissions from 4 submitters: Uncertain significance (4). Last evaluated 2024-12-30.

Conditions:
Cardiovascular phenotype. Identifiers: MedGen CN230736.
Catecholaminergic polymorphic ventricular tachycardia (CVPT). Also called: Catecholamine-induced polymorphic ventricular tachycardia. Identifiers: Orphanet 3286, MedGen C5574922, MONDO:0017990.
Cardiomyopathy (CMYO). Also called: Cardiomyopathies. Identifiers: Orphanet 167848, MedGen C0878544, MONDO:0004994, HP:0001638. Inheritance: Various modes of inheritance.
Catecholaminergic polymorphic ventricular tachycardia 1. Also called: RYR2-Related Catecholaminergic Polymorphic Ventricular Tachycardia; VENTRICULAR TACHYCARDIA, CATECHOLAMINERGIC POLYMORPHIC, 1, WITH OR WITHOUT ATRIAL DYSFUNCTION AND/OR DILATED CARDIOMYOPATHY; VENTRICULAR TACHYCARDIA, STRESS-INDUCED POLYMORPHIC 1. Identifiers: Orphanet 3286, MedGen C1631597, MONDO:0011484, OMIM 604772.

Allele frequency attached by ClinVar (database versions not stated): gnomAD 0.00001; TOPMed 0.00001.
gnomAD v4.1: 6 of 1,613,924 alleles (0.00037%); highest among the groups gnomAD compares: South Asian, 0.0044%; no homozygotes.

Submissions (4):

Ambry Genetics
Classification: Uncertain significance for Cardiovascular phenotype. Last evaluated: 2024-12-30. Review status: criteria provided, single submitter. Criteria: Ambry Variant Classification Scheme 2023. Collection method: clinical testing. Allele origin: germline.
Comment: The p.I784F variant (also known as c.2350A>T), located in coding exon 21 of the RYR2 gene, results from an A to T substitution at nucleotide position 2350. The isoleucine at codon 784 is replaced by phenylalanine, an amino acid with highly similar properties. This variant was reported in an individual with ventricular dysrhythmia (Touat-Hamici Z et al. Sci Rep, 2021 Mar;11:5243). In an assay testing RYR2 function, this variant showed a functionally abnormal result (Touat-Hamici Z et al. Sci Rep, 2021 Mar;11:5243). This amino acid position is not well conserved in available vertebrate species. In addition, this alteration is predicted to be tolerated by in silico analysis. Based on the available evidence, the clinical significance of this variant remains unclear.

All of Us Research Program, National Institutes of Health
Classification: Uncertain significance for Catecholaminergic polymorphic ventricular tachycardia. Last evaluated: 2023-12-13. Review status: criteria provided, single submitter. Criteria: ACMG Guidelines, 2015. Collection method: clinical testing. Allele origin: germline. Inheritance: Autosomal dominant inheritance. Observed: 2 variant alleles, 2 heterozygotes.
Comment: This missense variant replaces isoleucine with phenylalanine at codon 784 of the RYR2 protein. Computational prediction suggests that this variant may not impact protein structure and function (internally defined REVEL score threshold <= 0.5, PMID: 27666373). A functional study has shown this variant causes significant increase in calcium oscillation frequency and an enhanced store overload-induced calcium release in response to cAMP treatment in transfected HEK293 cells (PMID: 33664309). This study also showed that this variant causes a conformational change which impacts channel gating and also affects thermal stability resulting in a strong destabilizing effect. This variant has been reported in one individual who experienced sudden cardiac death after experiencing short-coupled torsade de pointes (PMID: 33664309). This variant has been identified in 2/249286 chromosomes in the general population by the Genome Aggregation Database (gnomAD). The available evidence is insufficient to determine the role of this variant in disease conclusively. Therefore, this variant is classified as a Variant of Uncertain Significance.

This study involves interpretation of variants in research participants for the purpose of population health screening. Participant phenotype was not available at the time of variant classification. Additional details can be found in publication PMID: 35346344, PMCID: PMC8962531

Color Diagnostics, LLC DBA Color Health
Classification: Uncertain significance for Cardiomyopathy. Last evaluated: 2023-10-26. Review status: criteria provided, single submitter. Criteria: ACMG Guidelines, 2015. Collection method: clinical testing. Allele origin: germline.
Comment: This missense variant replaces isoleucine with phenylalanine at codon 784 of the RYR2 protein. Computational prediction suggests that this variant may not impact protein structure and function (internally defined REVEL score threshold <= 0.5, PMID: 27666373). A functional study has shown this variant causes significant increase in calcium oscillation frequency and an enhanced store overload-induced calcium release in response to cAMP treatment in transfected HEK293 cells (PMID: 33664309). This study also showed that this variant causes a conformational change which impacts channel gating and also affects thermal stability resulting in a strong destabilizing effect. This variant has been reported in one individual who experienced sudden cardiac death after experiencing short-coupled torsade de pointes (PMID: 33664309). This variant has been identified in 2/249286 chromosomes in the general population by the Genome Aggregation Database (gnomAD). The available evidence is insufficient to determine the role of this variant in disease conclusively. Therefore, this variant is classified as a Variant of Uncertain Significance.

Labcorp Genetics (formerly Invitae), Labcorp
Classification: Uncertain significance for Catecholaminergic polymorphic ventricular tachycardia 1. Last evaluated: 2022-01-11. Review status: criteria provided, single submitter. Criteria: Invitae Variant Classification Sherloc (09022015). Collection method: clinical testing. Allele origin: germline.
Comment: This sequence change replaces isoleucine, which is neutral and non-polar, with phenylalanine, which is neutral and non-polar, at codon 784 of the RYR2 protein (p.Ile784Phe). This variant is present in population databases (rs794728729, gnomAD 0.006%). This missense change has been observed in individual(s) with RYR2-related conditions (PMID: 33664309). ClinVar contains an entry for this variant (Variation ID: 201228). Advanced modeling of protein sequence and biophysical properties (such as structural, functional, and spatial information, amino acid conservation, physicochemical variation, residue mobility, and thermodynamic stability) performed at Invitae indicates that this missense variant is not expected to disrupt RYR2 protein function. Experimental studies have shown that this missense change affects RYR2 function (PMID: 33664309). In summary, the available evidence is currently insufficient to determine the role of this variant in disease. Therefore, it has been classified as a Variant of Uncertain Significance.

Literature cited by the submitters: PubMed 33664309 (cited by 4 submitters).

NM_001035.3(RYR2):c.2350A>T (p.Ile784Phe)

Gene: RYR2 (ryanodine receptor 2; plus strand). Cytogenetic location: 1q43.
Variant type: single nucleotide variant.
Coding change: c.2350A>T on transcript NM_001035.3 (MANE Select); coding-DNA position 2350, A replaced by T.
Protein change: p.Ile784Phe; replaces isoleucine 784 with phenylalanine.
Molecular consequence: missense variant.
Genome position (GRCh38, 1-based): chr1:237,500,857, A>T. VCF-style: chr1-237500857-A-T. GRCh37 (hg19) VCF-style: chr1-237664157-A-T.
Other names: short protein forms I784F.
Identifiers: ClinVar variation 201228 (VCV000201228.8), dbSNP rs794728729, ClinGen allele CA008781.
Genomic context (GRCh38, chr1:237,500,857, plus strand): 5'-CCAAGCATCTCGTTCCGAATTAATGGACAACCTGTTCAAGGAATGTTTGAGAATTTCAAC[A>T]TCGATGGCCTCTTCTTTCCAGTCGTTAGTTTCTCTGCAGGAATAAAGTTAGTATGTCTAT-3'
Protein context (NP_001026.2, residues 774-794): PVQGMFENFN[Ile784Phe]DGLFFPVVSF